The following is an entry in ClinVar:

NM_170606.3(KMT2C):c.3842-7dup

Gene: KMT2C (lysine methyltransferase 2C; minus strand). Cytogenetic location: 7q36.1.
Variant type: Duplication.
Coding change: c.3842-7dup on transcript NM_170606.3 (MANE Select); 7 bases into the intron before coding-DNA position 3842, one base duplicated (T; older notation c.3842-7dupT).
Molecular consequence: intron variant.
Genome position (GRCh38, 1-based): chr7:152,205,232, A duplicated on the plus strand (T on the coding strand, the reverse complement: KMT2C is on the minus strand); the first of 6 consecutive A bases (chr7:152,205,232-152,205,237); duplicating any one gives the same sequence. VCF-style (leftmost placement, unchanged base first): chr7-152205231-C-CA. GRCh37 (hg19) VCF-style: chr7-151902316-C-CA.
Other names: c.3842-7dupT (NM_170606.3).
Identifiers: ClinVar variation 1595642 (VCV001595642.31), dbSNP rs1002481609, ClinGen allele CA169227775.

ClinVar aggregate classification (germline): Likely benign. Review status: criteria provided, multiple submitters, no conflicts (2 of 4 stars). 3 submissions from 3 submitters: Likely benign (3). Last evaluated 2025-11-12.

Submissions (3):

Women's Health and Genetics/Laboratory Corporation of America, LabCorp
Classification: Likely benign. Last evaluated: 2025-11-12. Review status: criteria provided, single submitter. Criteria: LabCorp Variant Classification Summary - May 2015. Collection method: clinical testing. Allele origin: germline.
Comment: Variant summary: KMT2C c.3842-7dupT alters a conserved nucleotide located at a position not widely known to affect splicing. Consensus agreement among computation tools predict no significant impact on normal splicing. However, these predictions have yet to be confirmed by functional studies. The variant was absent in 250582 control chromosomes. The available data on variant occurrences in the general population are insufficient to allow any conclusion about variant significance. To our knowledge, no occurrence of c.3842-7dupT in individuals affected with KMT2C-related conditions and no experimental evidence demonstrating its impact on protein function have been reported. ClinVar contains an entry for this variant (Variation ID: 1595642). Based on the evidence outlined above, the variant was classified as likely benign.

Labcorp Genetics (formerly Invitae), Labcorp
Classification: Likely benign. Last evaluated: 2025-10-27. Review status: criteria provided, single submitter. Criteria: Invitae Variant Classification Sherloc (09022015). Collection method: clinical testing. Allele origin: germline.

CeGaT Center for Human Genetics Tuebingen
Classification: Likely benign. Last evaluated: 2023-09-01. Review status: criteria provided, single submitter. Criteria: CeGaT Center For Human Genetics Tuebingen Variant Classification Criteria Version 2. Collection method: clinical testing. Allele origin: germline. Affected: yes. Observed: 1 variant allele.
Comment: KMT2C: BP4